The following is an entry in ClinVar:

NM_001128922.2(LRRC32):c.1834C>G (p.His612Asp)

Genes: LRRC32 (leucine rich repeat containing 32; minus strand), LRRC32-AS1 (LRRC32 antisense RNA 1; plus strand). Cytogenetic location: 11q13.5.
Variant type: single nucleotide variant.
Coding change: c.1834C>G on transcript NM_001128922.2 (MANE Select); coding-DNA position 1834, C replaced by G.
Protein change: p.His612Asp; replaces histidine 612 with aspartic acid.
Molecular consequence: missense variant. On other transcripts: non-coding transcript variant (1), intron variant (1).
Genome position (GRCh38, 1-based): chr11:76,659,759, G>C on the plus strand (C>G on the coding strand, the complement: LRRC32 is on the minus strand). VCF-style: chr11-76659759-G-C. GRCh37 (hg19) VCF-style: chr11-76370803-G-C.
Other names: c.1834C>G, p.His612Asp (NM_001370187.1, NM_001370188.1, NM_005512.3); c.1768C>G, p.His590Asp (NM_001370189.1); c.1504C>G, p.His502Asp (NM_001370190.1); c.85-1725C>G (NM_001370191.1); short protein forms H502D, H612D, H590D.
Identifiers: ClinVar variation 4981042 (VCV004981042.1).

ClinVar aggregate classification (germline): Likely benign (1 of 4 stars; one submission).

Conditions:
LRRC32-related disorder. Also called: LRRC32-related condition.

Submission:

PreventionGenetics, part of Exact Sciences
Classification: Likely benign for LRRC32-related condition. Last evaluated: 2025-12-04. Review status: criteria provided, single submitter. Criteria: ACMG Guidelines, 2015. Collection method: clinical testing. Allele origin: germline.
Comment: This variant is classified as likely benign based on ACMG/AMP sequence variant interpretation guidelines (Richards et al. 2015 PMID: 25741868, with internal and published modifications).